The following is an entry in ClinVar:

NM_000391.4(TPP1):c.528del (p.Pro178fs)

Gene: TPP1 (tripeptidyl peptidase 1; minus strand). Cytogenetic location: 11p15.4.
Variant type: Deletion.
Coding change: c.528del on transcript NM_000391.4 (MANE Select); coding-DNA position 528, one base deleted (T; older notation c.528delT).
Protein change: p.Pro178fs; shifts the reading frame from proline 178.
Molecular consequence: frameshift variant.
Genome position (GRCh38, 1-based): chr11:6,617,134, A deleted on the plus strand (T on the coding strand, the reverse complement: TPP1 is on the minus strand); the first of 4 consecutive A bases (chr11:6,617,134-6,617,137); deleting any one gives the same sequence. VCF-style (leftmost placement, unchanged base first): chr11-6617133-GA-G. GRCh37 (hg19) VCF-style: chr11-6638364-GA-G.
Other names: short protein forms P178fs.
Identifiers: ClinVar variation 5013471 (VCV005013471.1).

ClinVar aggregate classification (germline): Pathogenic (1 of 4 stars; one submission).

Conditions:
Neuronal ceroid lipofuscinosis 2. Also called: TPP1-Related Neuronal Ceroid-Lipofuscinosis; JANSKY-BIELSCHOWSKY DISEASE NEURONAL CEROID LIPOFUSCINOSIS, LATE INFANTILE. Identifiers: Orphanet 168491, Orphanet 228349, Orphanet 79264, MedGen C1876161, MONDO:0008769, OMIM 204500.

Submission:

Myriad Genetics, Inc.
Classification: Pathogenic for Neuronal ceroid lipofuscinosis 2. Last evaluated: 2024-08-20. Review status: criteria provided, single submitter. Criteria: Myriad Autosomal Dominant, Autosomal Recessive and X-Linked Classification Criteria (2023). Collection method: clinical testing. Allele origin: unknown.
Comment: NM_000391.3(TPP1):c.528delT(P178Qfs*5) is expected to be pathogenic in the context of TPP1-related neuronal ceroid lipofuscinosis. This variant is predicted to lead to an abnormal or absent protein product due to the creation of a premature termination codon in TPP1, a gene where loss-of-function variants are known to be pathogenic. Please note: this variant was assessed in the context of healthy population screening.